The following is an entry in ClinVar:

ClinVar aggregate classification (germline): Uncertain significance. Review status: criteria provided, multiple submitters, no conflicts (2 of 4 stars). 2 submissions from 2 submitters: Uncertain significance (2). Last evaluated 2022-10-25.

Allele frequency attached by ClinVar (database versions not stated): gnomAD exomes below 0.00001; gnomAD 0.00001.
gnomAD v4.1: 3 of 1,612,198 alleles (0.00019%); highest among the groups gnomAD compares: Non-Finnish European, 0.00017%; no homozygotes.

Submissions (2):

Blueprint Genetics
Classification: Uncertain significance. Last evaluated: 2022-10-25. Review status: criteria provided, single submitter. Criteria: ACMG Guidelines, 2015. Collection method: clinical testing. Allele origin: germline.

Labcorp Genetics (formerly Invitae), Labcorp
Classification: Uncertain significance. Last evaluated: 2021-06-24. Review status: criteria provided, single submitter. Criteria: Invitae Variant Classification Sherloc (09022015). Collection method: clinical testing. Allele origin: germline.
Comment: Algorithms developed to predict the effect of missense changes on protein structure and function (SIFT, PolyPhen-2, Align-GVGD) all suggest that this variant is likely to be tolerated, but these predictions have not been confirmed by published functional studies and their clinical significance is uncertain. In summary, the available evidence is currently insufficient to determine the role of this variant in disease. Therefore, it has been classified as a Variant of Uncertain Significance. This variant has not been reported in the literature in individuals with CFAP410-related conditions. This variant is not present in population databases (ExAC no frequency). This sequence change replaces proline with serine at codon 57 of the CFAP410 protein (p.Pro57Ser). The proline residue is highly conserved and there is a moderate physicochemical difference between proline and serine.

NM_004928.3(CFAP410):c.169C>T (p.Pro57Ser)

Gene: CFAP410 (cilia and flagella associated protein 410; minus strand). Cytogenetic location: 21q22.3.
Variant type: single nucleotide variant.
Coding change: c.169C>T on transcript NM_004928.3 (MANE Select); coding-DNA position 169, C replaced by T.
Protein change: p.Pro57Ser; replaces proline 57 with serine.
Molecular consequence: missense variant.
Genome position (GRCh38, 1-based): chr21:44,333,237, G>A on the plus strand (C>T on the coding strand, the complement: CFAP410 is on the minus strand). VCF-style: chr21-44333237-G-A. GRCh37 (hg19) VCF-style: chr21-45753120-G-A.
Other names: c.169C>T, p.Pro57Ser (NM_001271440.2, NM_001271441.2); c.46C>T, p.Pro16Ser (NM_001271442.1); short protein forms P16S, P57S.
Identifiers: ClinVar variation 1062775 (VCV001062775.8), dbSNP rs1337086224, ClinGen allele CA410457581.